The following is an entry in ClinVar:

NM_172366.4(FBXO16):c.204C>A (p.Ser68=)

Gene: FBXO16 (F-box protein 16; minus strand). Cytogenetic location: 8p21.1.
Variant type: single nucleotide variant.
Coding change: c.204C>A on transcript NM_172366.4 (MANE Select); coding-DNA position 204, C replaced by A.
Protein change: p.Ser68=; no amino-acid change (serine 68 retained).
Molecular consequence: synonymous variant.
Genome position (GRCh38, 1-based): chr8:28,463,750, G>T on the plus strand (C>A on the coding strand, the complement: FBXO16 is on the minus strand). VCF-style: chr8-28463750-G-T. GRCh37 (hg19) VCF-style: chr8-28321267-G-T.
Other names: c.168C>A, p.Ser56= (NM_001258211.2).
Identifiers: ClinVar variation 4873128 (VCV004873128.2).

ClinVar aggregate classification (germline): Likely benign (1 of 4 stars; one submission).

Submission:

CeGaT Center for Human Genetics Tuebingen
Classification: Likely benign. Last evaluated: 2026-05-01. Review status: criteria provided, single submitter. Criteria: CeGaT Center For Human Genetics Tuebingen Variant Classification Criteria Version 2. Collection method: clinical testing. Allele origin: germline. Affected: yes. Observed: 1 variant allele.
Comment: FBXO16: PM2:Supporting, BP4, BP7